The following is an entry in ClinVar:

NM_000492.4(CFTR):c.2859_2893delinsTCAAG (p.Leu953_Asn965delinsPheGlnAsp)

Gene: CFTR (CF transmembrane conductance regulator; plus strand). Cytogenetic location: 7q31.2.
Variant type: Indel.
Coding change: c.2859_2893delinsTCAAG on transcript NM_000492.4 (MANE Select); coding-DNA positions 2859 to 2893, the reference bases replaced by TCAAG.
Protein change: p.Leu953_Asn965delinsPheGlnAsp.
Molecular consequence: inframe indel.
Genome position (GRCh38, 1-based): chr7:117,603,733-117,603,767, 35 bases replaced. GRCh37 (hg19): chr7:117,243,787-117,243,821.
Identifiers: ClinVar variation 2579739 (VCV002579739.1), dbSNP rs2485122375, ClinGen allele CA2580617913.

ClinVar aggregate classification (germline): Uncertain significance (1 of 4 stars; one submission).

Conditions:
Cystic fibrosis (CF). Also called: MUCOVISCIDOSIS. Identifiers: Orphanet 586, MedGen C0010674, MONDO:0009061, OMIM 219700. Disease mechanism: loss of function.

Submission:

Institute of Human Genetics, University of Leipzig Medical Center
Classification: Uncertain significance for Cystic fibrosis. Last evaluated: 2023-07-26. Review status: criteria provided, single submitter. Criteria: ACMG Guidelines, 2015. Collection method: curation. Allele origin: unknown. Affected: yes. Observed: 1 variant allele.
Comment: This variant was classified based on the report of 1 patient with a clinically confirmed diagnosis of cystic fibrosis in the context of re-classifying variants in the German Cystic Fibrosis Registry (Muko e.V.). Patients have not been seen personally, but only reports were evaluated. Criteria applied:PM4, PM2_SUP